The following is an entry in ClinVar:

NM_012431.3(SEMA3E):c.223A>G (p.Arg75Gly)

Gene: SEMA3E (semaphorin 3E; minus strand). Cytogenetic location: 7q21.11.
Variant type: single nucleotide variant.
Coding change: c.223A>G on transcript NM_012431.3 (MANE Select); coding-DNA position 223, A replaced by G.
Protein change: p.Arg75Gly; replaces arginine 75 with glycine.
Molecular consequence: missense variant.
Genome position (GRCh38, 1-based): chr7:83,490,167, T>C on the plus strand (A>G on the coding strand, the complement: SEMA3E is on the minus strand). VCF-style: chr7-83490167-T-C. GRCh37 (hg19) VCF-style: chr7-83119483-T-C.
Other names: c.43A>G, p.Arg15Gly (NM_001178129.2); short protein forms R15G, R75G.
Identifiers: ClinVar variation 2636018 (VCV002636018.5), dbSNP rs1475517940, ClinGen allele CA367937425.
Genomic context (GRCh38, chr7:83,490,167, plus strand): 5'-TCTATACCTCTTTATAGCCGTCACTGATTCTCTCCAAGCTGAGGGAATATACAAGGTCCC[T>C]GCCTCCCACGAAGAGCCTCTCTTGATATTCATCCAGCAGCATTGTATGGAGATCAAGAAA-3'
Protein context (NP_036563.1, residues 65-85): EYQERLFVGG[Arg75Gly]DLVYSLSLER

ClinVar aggregate classification (germline): Uncertain significance. Review status: criteria provided, multiple submitters, no conflicts (2 of 4 stars). 3 submissions from 3 submitters: Uncertain significance (3). Last evaluated 2025-09-06.

Conditions:
SEMA3E-related disorder. Also called: SEMA3E-related condition.
CHARGE syndrome (CHARGE). Also called: Hittner Hirsch Kreh syndrome; CHARGE ASSOCIATION--COLOBOMA, HEART ANOMALY, CHOANAL ATRESIA, RETARDATION, GENITAL AND EAR ANOMALIES; Coloboma, heart anomaly, choanal atresia, retardation, genital and ear anomalies; CHARGE association; Hall-Hittner syndrome. Identifiers: Orphanet 138, MedGen C0265354, MONDO:0008965.

Allele frequency attached by ClinVar (database versions not stated): gnomAD 0.00001; TOPMed 0.00002.
gnomAD v4.1: 3 of 1,613,058 alleles (0.00019%); highest among the groups gnomAD compares: Non-Finnish European, 0.00017%; no homozygotes.

Submissions (3):

Labcorp Genetics (formerly Invitae), Labcorp
Classification: Uncertain significance for CHARGE syndrome. Last evaluated: 2025-09-06. Review status: criteria provided, single submitter. Criteria: Invitae Variant Classification Sherloc (09022015). Collection method: clinical testing. Allele origin: germline.
Comment: This sequence change replaces arginine, which is basic and polar, with glycine, which is neutral and non-polar, at codon 75 of the SEMA3E protein (p.Arg75Gly). This variant is not present in population databases (gnomAD no frequency). This variant has not been reported in the literature in individuals affected with SEMA3E-related conditions. ClinVar contains an entry for this variant (Variation ID: 2636018). Invitae Evidence Modeling of protein sequence and biophysical properties (such as structural, functional, and spatial information, amino acid conservation, physicochemical variation, residue mobility, and thermodynamic stability) indicates that this missense variant is not expected to disrupt SEMA3E protein function with a negative predictive value of 80%. In summary, the available evidence is currently insufficient to determine the role of this variant in disease. Therefore, it has been classified as a Variant of Uncertain Significance.

Ambry Genetics
Classification: Uncertain significance. Last evaluated: 2025-03-31. Review status: criteria provided, single submitter. Criteria: Ambry Variant Classification Scheme 2023. Collection method: clinical testing. Allele origin: germline.

PreventionGenetics, part of Exact Sciences
Classification: Uncertain significance for SEMA3E-related condition. Last evaluated: 2022-09-22. Review status: criteria provided, single submitter. Criteria: ACMG Guidelines, 2015. Collection method: clinical testing. Allele origin: germline.
Comment: The SEMA3E c.223A>G variant is predicted to result in the amino acid substitution p.Arg75Gly. To our knowledge, this variant has not been reported in the literature or in a large population database, indicating this variant is rare. At this time, the clinical significance of this variant is uncertain due to the absence of conclusive functional and genetic evidence.